The following is an entry in ClinVar:

NM_032242.4(PLXNA1):c.3025C>T (p.Arg1009Cys)

Gene: PLXNA1 (plexin A1; plus strand). Cytogenetic location: 3q21.3.
Variant type: single nucleotide variant.
Coding change: c.3025C>T on transcript NM_032242.4 (MANE Select); coding-DNA position 3025, C replaced by T.
Protein change: p.Arg1009Cys; replaces arginine 1009 with cysteine.
Molecular consequence: missense variant.
Genome position (GRCh38, 1-based): chr3:127,016,527, C>T. VCF-style: chr3-127016527-C-T. GRCh37 (hg19) VCF-style: chr3-126735370-C-T.
Other names: short protein forms R1009C.
Identifiers: ClinVar variation 3350556 (VCV003350556.2).

ClinVar aggregate classification (germline): Uncertain significance. Review status: criteria provided, single submitter (1 of 4 stars). 2 submissions from 2 submitters: Uncertain significance (1). 1 of the submissions does not count toward it. Last evaluated 2025-11-03.

Conditions:
PLXNA1-related disorder. Also called: PLXNA1-related condition.

Submissions (2):

Ambry Genetics
Classification: Uncertain significance. Last evaluated: 2025-11-03. Review status: criteria provided, single submitter. Criteria: Ambry Variant Classification Scheme 2023. Collection method: clinical testing. Allele origin: germline.

PreventionGenetics, part of Exact Sciences
Classification: Uncertain significance for PLXNA1-related condition. Last evaluated: 2024-09-05. Review status: no assertion criteria provided. Collection method: clinical testing. Allele origin: germline. Not counted in ClinVar's aggregate classification.
Comment: The PLXNA1 c.3025C>T variant is predicted to result in the amino acid substitution p.Arg1009Cys. To our knowledge, this variant has not been reported in the literature. This variant is reported in 0.0098% of alleles in individuals of South Asian descent in gnomAD. At this time, the clinical significance of this variant is uncertain due to the absence of conclusive functional and genetic evidence.